The following is an entry in ClinVar:

NC_000023.10:g.(?_135104725)_(135104876_?)del

Gene: SLC9A6 (solute carrier family 9 member A6; plus strand). Cytogenetic location: Xq26.3.
Variant type: Deletion.
Identifiers: ClinVar variation 2425584 (VCV002425584.5).

ClinVar aggregate classification (germline): Pathogenic (1 of 4 stars; one submission).

Conditions:
Christianson syndrome (MRXSCH). Also called: INTELLECTUAL DEVELOPMENTAL DISORDER, X-LINKED, SYNDROMIC, CHRISTIANSON TYPE; X-linked mental retardation, syndromic, Christianson type; SLC9A6-Related Syndromic Mental Retardation. Identifiers: Orphanet 85278, MedGen C2678194, MONDO:0010278, OMIM 300243.

Submission:

Labcorp Genetics (formerly Invitae), Labcorp
Classification: Pathogenic for Christianson syndrome. Last evaluated: 2023-11-10. Review status: criteria provided, single submitter. Criteria: Invitae Variant Classification Sherloc (09022015). Collection method: clinical testing. Allele origin: germline.
Comment: This variant is a gross deletion of the genomic region encompassing exon(s) 11 of the SLC9A6 gene. This deletion is out-of-frame, and is expected to create a premature termination codon and result in an absent or disrupted protein product. Loss-of-function variants in SLC9A6 are known to be pathogenic (PMID: 18342287). This variant has not been reported in the literature in individuals affected with SLC9A6-related conditions. For these reasons, this variant has been classified as Pathogenic.

Literature cited by the submitters: PubMed 18342287.